The following is an entry in ClinVar:

ClinVar aggregate classification (germline): Likely pathogenic (1 of 4 stars; one submission).

Conditions:
Usher syndrome type 1C. Also called: USHER SYNDROME, TYPE I, ACADIAN VARIETY. Identifiers: Orphanet 231169, Orphanet 886, MedGen C1848604, MONDO:0010171, OMIM 276904.

Submission:

Myriad Genetics, Inc.
Classification: Likely pathogenic for Usher syndrome type 1C. Last evaluated: 2022-02-25. Review status: criteria provided, single submitter. Criteria: Myriad Women's Health Autosomal Recessive and X-Linked Classification Criteria (2021). Collection method: clinical testing. Allele origin: unknown.
Comment: NM_005709.3(USH1C):c.326_327ins5(C110Kfs*23) is expected to be pathogenic in the context of USH1C-related disorders. This variant is predicted to lead to an abnormal or absent protein product due to the creation of a premature termination codon in USH1C, a gene where loss-of-function variants are known to be pathogenic. Please note: this variant was assessed in the context of healthy population screening.

NM_153676.4(USH1C):c.326_327insTAAAA (p.Cys110fs)

Gene: USH1C (USH1 protein network component harmonin; minus strand). Cytogenetic location: 11p15.1.
Variant type: Insertion.
Coding change: c.326_327insTAAAA on transcript NM_153676.4 (MANE Select); coding-DNA positions 326 to 327, TAAAA inserted.
Protein change: p.Cys110fs; shifts the reading frame from cysteine 110.
Molecular consequence: frameshift variant. On other transcripts: non-coding transcript variant (1).
Genome position: GRCh38 VCF-style: chr11-17531214-G-GTTTTA. GRCh37 (hg19) VCF-style: chr11-17552761-G-GTTTTA.
Other names: c.326_327insTAAAA, p.Cys110fs (NM_001297764.2, NM_005709.4); short protein forms C110fs.
Identifiers: ClinVar variation 1724730 (VCV001724730.2), dbSNP rs2497223524, ClinGen allele CA2580082798.
Genomic context (GRCh38, chr11:17,531,214, plus strand): 5'-CTGGAGCCCGACGCTGTCTGCCTGACCGCCTTTGATGAGGTGGGAGATGAAGAGCCCACA[G>GTTTTA]CCAAACTCCAGGCCACCACGCACACTCAGGCCGAGGCCTTCGGGGTGCAGACGGTCCAGA-3'